The following is an entry in ClinVar:

ClinVar aggregate classification (germline): Uncertain significance (1 of 4 stars; one submission).

Allele frequency attached by ClinVar (database versions not stated): ExAC 0.00002.
gnomAD v4.1: 3 of 1,607,862 alleles (0.00019%); highest among the groups gnomAD compares: Non-Finnish European, 0.00025%; no homozygotes.

Submission:

CeGaT Center for Human Genetics Tuebingen
Classification: Uncertain significance. Last evaluated: 2023-06-01. Review status: criteria provided, single submitter. Criteria: CeGaT Center For Human Genetics Tuebingen Variant Classification Criteria Version 2. Collection method: clinical testing. Allele origin: germline. Affected: yes. Observed: 1 variant allele.
Comment: VKORC1: PM2

NM_024006.6(VKORC1):c.64C>T (p.Leu22Phe)

Gene: VKORC1 (vitamin K epoxide reductase complex subunit 1; minus strand). Cytogenetic location: 16p11.2.
Variant type: single nucleotide variant.
Coding change: c.64C>T on transcript NM_024006.6 (MANE Select); coding-DNA position 64, C replaced by T.
Protein change: p.Leu22Phe; replaces leucine 22 with phenylalanine.
Molecular consequence: missense variant.
Genome position (GRCh38, 1-based): chr16:31,094,666, G>A on the plus strand (C>T on the coding strand, the complement: VKORC1 is on the minus strand). VCF-style: chr16-31094666-G-A. GRCh37 (hg19) VCF-style: chr16-31105987-G-A.
Other names: c.64C>T, p.Leu22Phe (NM_001311311.2, NM_206824.3); short protein forms L22F.
Identifiers: ClinVar variation 2646468 (VCV002646468.24), dbSNP rs759258204, ClinGen allele CA8021308.